The following is an entry in ClinVar:

ClinVar aggregate classification (germline): Uncertain significance. Review status: criteria provided, multiple submitters, no conflicts (2 of 4 stars). 2 submissions from 2 submitters: Uncertain significance (2). Last evaluated 2025-06-12.

Conditions:
Genitopatellar syndrome (GTPTS). Also called: Genitopatellar syndrome (GPS); ABSENT PATELLAE, SCROTAL HYPOPLASIA, RENAL ANOMALIES, FACIAL DYSMORPHISM, AND MENTAL RETARDATION. Identifiers: Orphanet 85201, MedGen C1853566, MONDO:0011640, OMIM 606170.

Allele frequency attached by ClinVar (database versions not stated): gnomAD exomes below 0.00001 and 0.00001; TOPMed below 0.00001; gnomAD 0.00001; ExAC 0.00002; ESP Exome Variant Server 0.00008.
gnomAD v4.1: 3 of 1,614,110 alleles (0.00019%); highest among the groups gnomAD compares: Admixed American, 0.0033%; no homozygotes.

Submissions (2):

Labcorp Genetics (formerly Invitae), Labcorp
Classification: Uncertain significance for Genitopatellar syndrome. Last evaluated: 2025-06-12. Review status: criteria provided, single submitter. Criteria: Invitae Variant Classification Sherloc (09022015). Collection method: clinical testing. Allele origin: germline.
Comment: This sequence change replaces glutamic acid, which is acidic and polar, with glutamine, which is neutral and polar, at codon 119 of the KAT6B protein (p.Glu119Gln). This variant is present in population databases (rs377346332, gnomAD 0.007%). This variant has not been reported in the literature in individuals affected with KAT6B-related conditions. ClinVar contains an entry for this variant (Variation ID: 393162). Invitae Evidence Modeling of protein sequence and biophysical properties (such as structural, functional, and spatial information, amino acid conservation, physicochemical variation, residue mobility, and thermodynamic stability) indicates that this missense variant is not expected to disrupt KAT6B protein function with a negative predictive value of 80%. In summary, the available evidence is currently insufficient to determine the role of this variant in disease. Therefore, it has been classified as a Variant of Uncertain Significance.

GeneDx
Classification: Uncertain significance. Last evaluated: 2017-01-25. Review status: criteria provided, single submitter. Criteria: GeneDx Variant Classification (06012015). Collection method: clinical testing. Allele origin: germline. Affected: yes.
Comment: The E119Q variant has not been published as a pathogenic variant, nor has it been reported as a benign variant to our knowledge. The NHLBI Exome Sequencing Project reports E119Q was observed in 1/4406 (0.0227%) alleles from individuals of African American background, indicating it may be a rare variant in this population. The E119Q variant is a semi-conservative amino acid substitution, which may impact secondary protein structure as these residues differ in some properties. This substitution occurs at a position that is not conserved. In silico analysis predicts this variant likely does not alter the protein structure/function. Based on the currently available information, it is unclear whether this variant is a pathogenic variant or a rare benign variant.

NM_012330.4(KAT6B):c.355G>C (p.Glu119Gln)

Gene: KAT6B (lysine acetyltransferase 6B; plus strand). Cytogenetic location: 10q22.2.
Variant type: single nucleotide variant.
Coding change: c.355G>C on transcript NM_012330.4 (MANE Select); coding-DNA position 355, G replaced by C.
Protein change: p.Glu119Gln; replaces glutamic acid 119 with glutamine.
Molecular consequence: missense variant. On other transcripts: 5 prime UTR variant (2).
Genome position (GRCh38, 1-based): chr10:74,843,212, G>C. VCF-style: chr10-74843212-G-C. GRCh37 (hg19) VCF-style: chr10-76602970-G-C.
Other names: c.355G>C, p.Glu119Gln (NM_001256468.2, NM_001256469.2, NM_001370132.1 and 10 more transcripts); c.-184G>C (NM_001370134.1, NM_001370135.1); short protein forms E119Q.
Identifiers: ClinVar variation 393162 (VCV000393162.4), dbSNP rs377346332, ClinGen allele CA5564201.
Genomic context (GRCh38, chr10:74,843,212, plus strand): 5'-TGTAATGATCTCCGCAATGTGGATTGGAATAAACTTTTAAGGAGAGCAATTGAAGGACTT[G>C]AGGAGCCGAATGGCTCCTCCCTGAAGAACATAGAGAAGTATCTCAGAAGTCAAAGTGATC-3'
Protein context (NP_036462.2, residues 109-129): KLLRRAIEGL[Glu119Gln]EPNGSSLKNI